The following is an entry in ClinVar:

NM_001171.6(ABCC6):c.2904G>A (p.Leu968=)

Gene: ABCC6 (ATP binding cassette subfamily C member 6; minus strand). Cytogenetic location: 16p13.11.
Variant type: single nucleotide variant.
Coding change: c.2904G>A on transcript NM_001171.6 (MANE Select); coding-DNA position 2904, G replaced by A.
Protein change: p.Leu968=; no amino-acid change (leucine 968 retained).
Molecular consequence: synonymous variant. On other transcripts: non-coding transcript variant (1).
Genome position (GRCh38, 1-based): chr16:16,169,737, C>T on the plus strand (G>A on the coding strand, the complement: ABCC6 is on the minus strand). VCF-style: chr16-16169737-C-T. GRCh37 (hg19) VCF-style: chr16-16263594-C-T.
Other names: c.2562G>A, p.Leu854= (NM_001351800.1).
Identifiers: ClinVar variation 377414 (VCV000377414.48), dbSNP rs72664287, ClinGen allele CA7925753.

ClinVar aggregate classification (germline): Benign/Likely benign. Review status: criteria provided, multiple submitters, no conflicts (2 of 4 stars). 10 submissions from 8 submitters: Benign (5); Likely benign (2). 3 of the submissions do not count toward it. Last evaluated 2026-07-01.

Conditions:
Arterial calcification, generalized, of infancy, 2. Identifiers: Orphanet 51608, MedGen C3276161, MONDO:0013768, OMIM 614473.
Pseudoxanthoma elasticum, forme fruste. Also called: PSEUDOXANTHOMA ELASTICUM, HETEROZYGOUS; Pseudoxanthoma Elasticum, Incomplete. Identifiers: Orphanet 758, MedGen C1867450, MONDO:0008333, OMIM 177850.
Autosomal recessive inherited pseudoxanthoma elasticum (PXE). Identifiers: Orphanet 758, MedGen CN032334, MONDO:0009925, OMIM 264800.

Allele frequency attached by ClinVar (database versions not stated): 1000 Genomes Project 30x 0.00016; 1000 Genomes Project 0.00020; gnomAD 0.00082 and 0.00087; TOPMed 0.00086; ESP Exome Variant Server 0.00108; gnomAD exomes 0.00113 and 0.00117; ExAC 0.00184.
gnomAD v4.1: 1,821 of 1,608,628 alleles (0.11%); highest among the groups gnomAD compares: Non-Finnish European, 0.13%; 2 homozygotes.

Submissions (10):

CeGaT Center for Human Genetics Tuebingen
Classification: Likely benign. Last evaluated: 2026-07-01. Review status: criteria provided, single submitter. Criteria: CeGaT Center For Human Genetics Tuebingen Variant Classification Criteria Version 2. Collection method: clinical testing. Allele origin: germline. Affected: yes. Observed: 8 variant alleles.
Comment: ABCC6: BP4, BP7

Labcorp Genetics (formerly Invitae), Labcorp
Classification: Benign. Last evaluated: 2026-01-26. Review status: criteria provided, single submitter. Criteria: Invitae Variant Classification Sherloc (09022015). Collection method: clinical testing. Allele origin: germline.

Blueprint Genetics
Classification: Likely benign. Last evaluated: 2024-11-25. Review status: criteria provided, single submitter. Criteria: ACMG Guidelines, 2015. Collection method: clinical testing. Allele origin: germline.

Genome-Nilou Lab
Classification: Benign for Arterial calcification, generalized, of infancy, 2. Last evaluated: 2021-12-05. Review status: criteria provided, single submitter. Criteria: ACMG Guidelines, 2015. Collection method: clinical testing. Allele origin: germline. Affected: no.

Genome-Nilou Lab
Classification: Benign for Autosomal recessive inherited pseudoxanthoma elasticum. Last evaluated: 2021-12-05. Review status: criteria provided, single submitter. Criteria: ACMG Guidelines, 2015. Collection method: clinical testing. Allele origin: germline. Affected: no.

Genome-Nilou Lab
Classification: Benign for Pseudoxanthoma elasticum, forme fruste. Last evaluated: 2021-12-05. Review status: criteria provided, single submitter. Criteria: ACMG Guidelines, 2015. Collection method: clinical testing. Allele origin: germline. Affected: no.

GeneDx
Classification: Benign. Last evaluated: 2015-05-13. Review status: criteria provided, single submitter. Criteria: GeneDx Variant Classification (06012015). Collection method: clinical testing. Allele origin: germline. Affected: yes.
Comment: This variant is considered likely benign or benign based on one or more of the following criteria: it is a conservative change, it occurs at a poorly conserved position in the protein, it is predicted to be benign by multiple in silico algorithms, and/or has population frequency not consistent with disease.

PXE International
Classification: Likely benign for Autosomal recessive inherited pseudoxanthoma elasticum. Last evaluated: 2021-03-01. Review status: no assertion criteria provided. Collection method: research. Allele origin: germline. Inheritance: Autosomal recessive inheritance. Affected: yes. Not counted in ClinVar's aggregate classification.

Clinical Genetics DNA and cytogenetics Diagnostics Lab, Erasmus MC, Erasmus Medical Center
Classification: Likely benign. Review status: no assertion criteria provided. Collection method: clinical testing. Allele origin: germline. Affected: yes. Study: VKGL Data-share Consensus. Not counted in ClinVar's aggregate classification.

Clinical Genetics, Academic Medical Center
Classification: Benign. Review status: no assertion criteria provided. Collection method: clinical testing. Allele origin: germline. Affected: yes. Study: VKGL Data-share Consensus. Not counted in ClinVar's aggregate classification.

Literature cited by the submitters: PubMed 12673275 (cited by PXE International).